The following is an entry in ClinVar:

NM_001375524.1(TRRAP):c.6057C>T (p.Val2019=)

Gene: TRRAP (transformation/transcription domain associated protein; plus strand). Cytogenetic location: 7q22.1.
Variant type: single nucleotide variant.
Coding change: c.6057C>T on transcript NM_001375524.1 (MANE Select); coding-DNA position 6057, C replaced by T.
Protein change: p.Val2019=; no amino-acid change (valine 2019 retained).
Molecular consequence: synonymous variant.
Genome position (GRCh38, 1-based): chr7:98,956,265, C>T. VCF-style: chr7-98956265-C-T. GRCh37 (hg19) VCF-style: chr7-98553888-C-T.
Other names: c.6036C>T, p.Val2012= (NM_001244580.2); c.5982C>T, p.Val1994= (NM_003496.4).
Identifiers: ClinVar variation 2156704 (VCV002156704.10), dbSNP rs782414888, ClinGen allele CA4360729.

ClinVar aggregate classification (germline): Likely benign. Review status: criteria provided, multiple submitters, no conflicts (2 of 4 stars). 2 submissions from 2 submitters: Likely benign (2). Last evaluated 2025-10-01.

Allele frequency attached by ClinVar (database versions not stated): ExAC 0.00001; gnomAD 0.00003; TOPMed 0.00003; gnomAD exomes 0.00006.
gnomAD v4.1: 86 of 1,614,080 alleles (0.0053%); highest among the groups gnomAD compares: Non-Finnish European, 0.0064%; no homozygotes.

Submissions (2):

CeGaT Center for Human Genetics Tuebingen
Classification: Likely benign. Last evaluated: 2025-10-01. Review status: criteria provided, single submitter. Criteria: CeGaT Center For Human Genetics Tuebingen Variant Classification Criteria Version 2. Collection method: clinical testing. Allele origin: germline. Affected: yes. Observed: 1 variant allele.
Comment: TRRAP: BP4, BP7

Labcorp Genetics (formerly Invitae), Labcorp
Classification: Likely benign. Last evaluated: 2023-07-26. Review status: criteria provided, single submitter. Criteria: Invitae Variant Classification Sherloc (09022015). Collection method: clinical testing. Allele origin: germline.